The following is an entry in ClinVar:

NM_001378974.1(FBXW11):c.1323_1326dup (p.Asp443fs)

Gene: FBXW11 (F-box and WD repeat domain containing 11; minus strand). Cytogenetic location: 5q35.1.
Variant type: Duplication.
Coding change: c.1323_1326dup on transcript NM_001378974.1 (MANE Select); coding-DNA positions 1323 to 1326, 4 bases duplicated (ATCA; older notation c.1323_1326dupATCA).
Protein change: p.Asp443fs; shifts the reading frame from aspartic acid 443.
Molecular consequence: frameshift variant.
Genome position (GRCh38, 1-based): chr5:171,872,886-171,872,889, TGAT duplicated on the plus strand (ATCA on the coding strand, the reverse complement: FBXW11 is on the minus strand). VCF-style (leftmost placement, unchanged base first): chr5-171872885-C-CTGAT. GRCh37 (hg19) VCF-style: chr5-171299889-C-CTGAT.
Other names: c.1254_1257dup, p.Asp420fs (NM_001378975.1); c.1227_1230dup, p.Asp411fs (NM_001378976.1); c.1164_1167dup, p.Asp390fs (NM_001378977.1, NM_001378978.1, NM_001378979.1); c.1158_1161dup, p.Asp388fs (NM_001378980.1, NM_033645.3); c.1260_1263dup, p.Asp422fs (NM_012300.3); c.1221_1224dup, p.Asp409fs (NM_033644.3); short protein forms D388fs, D390fs, D409fs, D411fs, D420fs, D422fs, D443fs.
Identifiers: ClinVar variation 3368519 (VCV003368519.1).

ClinVar aggregate classification (germline): Uncertain significance (1 of 4 stars; one submission).

Submission:

GeneDx
Classification: Uncertain significance. Last evaluated: 2024-01-29. Review status: criteria provided, single submitter. Criteria: GeneDx Variant Classification Process June 2021. Collection method: clinical testing. Allele origin: germline. Affected: yes.
Comment: Not observed at significant frequency in large population cohorts (gnomAD); Frameshift variant predicted to result in protein truncation or nonsense mediated decay in a gene for which loss-of-function is not a known mechanism of disease; Has not been previously published as pathogenic or benign to our knowledge